The following is an entry in ClinVar:

NM_000218.3(KCNQ1):c.1888C>G (p.Pro630Ala)

Genes: KCNQ1 (potassium voltage-gated channel subfamily Q member 1; plus strand), KCNQ1-AS1 (KCNQ1 antisense RNA 1; minus strand). Cytogenetic location: 11p15.4.
Variant type: single nucleotide variant.
Coding change: c.1888C>G on transcript NM_000218.3 (MANE Select); coding-DNA position 1888, C replaced by G.
Protein change: p.Pro630Ala; replaces proline 630 with alanine.
Molecular consequence: missense variant.
Genome position (GRCh38, 1-based): chr11:2,847,860, C>G. VCF-style: chr11-2847860-C-G. GRCh37 (hg19) VCF-style: chr11-2869090-C-G.
Other names: c.1888C>G (LRG_287t1); c.1792C>G, p.Pro598Ala (NM_001406836.1); c.1618C>G, p.Pro540Ala (NM_001406837.1); c.1348C>G, p.Pro450Ala (NM_001406838.1); c.400C>G, p.Pro134Ala (NM_001406839.1); c.1507C>G, p.Pro503Ala (NM_181798.2); short protein forms P630A, P503A, P598A, P450A, P540A, P134A.
Identifiers: ClinVar variation 53024 (VCV000053024.6), dbSNP rs199472822, ClinGen allele CA006546.
Genomic context (GRCh38, chr11:2,847,860, plus strand): 5'-ACCGACATGCTTCACCAGCTGCTCTCCTTGCACGGTGGCAGCACCCCCGGCAGCGGCGGC[C>G]CCCCCAGAGAGGGCGGGGCCCACATCACCCAGCCCTGCGGCAGTGGCGGCTCCGTCGACC-3'
Protein context (NP_000209.2, residues 620-640): HGGSTPGSGG[Pro630Ala]PREGGAHITQ

ClinVar aggregate classification (germline): Uncertain significance. Review status: criteria provided, single submitter (1 of 4 stars). 2 submissions from 2 submitters: Uncertain significance (1). 1 of the submissions does not count toward it. Last evaluated 2023-12-06.

Conditions:
Familial long QT syndrome (RWS). Also called: Congenital long QT syndrome; Romano-Ward syndrome; VENTRICULAR FIBRILLATION WITH PROLONGED QT INTERVAL. Identifiers: Orphanet 768, MedGen C1141890, MONDO:0019171.
Long QT syndrome (LQTS). Identifiers: MedGen C0023976, MeSH D008133, MONDO:0002442. Disease mechanism: loss of function. Inheritance: Various modes of inheritance.

gnomAD v4.1: 3 of 1,576,536 alleles (0.00019%); highest among the groups gnomAD compares: Non-Finnish European, 0.00026%; no homozygotes.

Submissions (2):

Labcorp Genetics (formerly Invitae), Labcorp
Classification: Uncertain significance for Long QT syndrome. Last evaluated: 2023-12-06. Review status: criteria provided, single submitter. Criteria: Invitae Variant Classification Sherloc (09022015). Collection method: clinical testing. Allele origin: germline.
Comment: This sequence change replaces proline, which is neutral and non-polar, with alanine, which is neutral and non-polar, at codon 630 of the KCNQ1 protein (p.Pro630Ala). This variant is not present in population databases (gnomAD no frequency). This missense change has been observed in individual(s) with long QT Syndrome (PMID: 17905336). ClinVar contains an entry for this variant (Variation ID: 53024). Advanced modeling of protein sequence and biophysical properties (such as structural, functional, and spatial information, amino acid conservation, physicochemical variation, residue mobility, and thermodynamic stability) performed at Invitae indicates that this missense variant is not expected to disrupt KCNQ1 protein function with a negative predictive value of 95%. In summary, the available evidence is currently insufficient to determine the role of this variant in disease. Therefore, it has been classified as a Variant of Uncertain Significance.

Cardiovascular Biomedical Research Unit, Royal Brompton & Harefield NHS Foundation Trust
No classification provided. Condition: Familial long QT syndrome. Review status: no classification provided. Collection method: literature only. Allele origin: germline. Not counted in ClinVar's aggregate classification.
Comment: This variant has been reported as associated with Long QT syndrome in the following publications (PMID:17905336). This is a literature report, and does not necessarily reflect the clinical interpretation of the Imperial College / Royal Brompton Cardiovascular Genetics laboratory.

Literature cited by the submitters: PubMed 17905336 (cited by Labcorp Genetics (formerly Invitae), Labcorp and Cardiovascular Biomedical Research Unit, Royal Brompton & Harefield NHS Foundation Trust); PubMed 22581653 (cited by Cardiovascular Biomedical Research Unit, Royal Brompton & Harefield NHS Foundation Trust).